The following is an entry in ClinVar:

NM_000329.3(RPE65):c.1559T>C (p.Ile520Thr)

Gene: RPE65 (retinoid isomerohydrolase RPE65; minus strand). Cytogenetic location: 1p31.3.
Variant type: single nucleotide variant.
Coding change: c.1559T>C on transcript NM_000329.3 (MANE Select); coding-DNA position 1559, T replaced by C.
Protein change: p.Ile520Thr; replaces isoleucine 520 with threonine.
Molecular consequence: missense variant.
Genome position (GRCh38, 1-based): chr1:68,429,819, A>G on the plus strand (T>C on the coding strand, the complement: RPE65 is on the minus strand). VCF-style: chr1-68429819-A-G. GRCh37 (hg19) VCF-style: chr1-68895502-A-G.
Other names: short protein forms I520T.
Identifiers: ClinVar variation 98849 (VCV000098849.6), dbSNP rs281865291, ClinGen allele CA226520.

ClinVar aggregate classification (germline): Uncertain significance. Review status: criteria provided, single submitter (1 of 4 stars). 3 submissions from 3 submitters: Uncertain significance (1). 2 of the submissions do not count toward it. Last evaluated 2025-10-16.

Conditions:
Leber congenital amaurosis 2 (LCA2). Also called: Autosomal Recessive RPE65-Related Retinal Degeneration; AMAUROSIS CONGENITA OF LEBER II. Identifiers: Orphanet 65, MedGen C1859844, MONDO:0008765, OMIM 204100. Disease mechanism: loss of function.
Retinitis pigmentosa 20 (RP20). Identifiers: Orphanet 791, MedGen C3151086, MONDO:0013425, OMIM 613794.
Leber congenital amaurosis (LCA). Also called: Leber's amaurosis. Identifiers: Orphanet 65, MedGen C0339527, MeSH D057130, MONDO:0018998.

Allele frequency attached by ClinVar (database versions not stated): gnomAD exomes below 0.00001 and 0.00001; gnomAD 0.00003 and 0.00004; TOPMed 0.00003.
gnomAD v4.1: 12 of 1,613,732 alleles (0.00074%); highest among the groups gnomAD compares: African/African-American, 0.013%; no homozygotes.

Submissions (3):

Labcorp Genetics (formerly Invitae), Labcorp
Classification: Uncertain significance for Leber congenital amaurosis 2; Retinitis pigmentosa 20. Last evaluated: 2025-10-16. Review status: criteria provided, single submitter. Criteria: Invitae Variant Classification Sherloc (09022015). Collection method: clinical testing. Allele origin: germline.
Comment: This sequence change replaces isoleucine, which is neutral and non-polar, with threonine, which is neutral and polar, at codon 520 of the RPE65 protein (p.Ile520Thr). This variant is present in population databases (rs281865291, gnomAD 0.02%). This variant has not been reported in the literature in individuals affected with RPE65-related conditions. ClinVar contains an entry for this variant (Variation ID: 98849). Invitae Evidence Modeling of protein sequence and biophysical properties (such as structural, functional, and spatial information, amino acid conservation, physicochemical variation, residue mobility, and thermodynamic stability) indicates that this missense variant is not expected to disrupt RPE65 protein function with a negative predictive value of 80%. In summary, the available evidence is currently insufficient to determine the role of this variant in disease. Therefore, it has been classified as a Variant of Uncertain Significance.

Natera, Inc.
Classification: Uncertain significance for Leber congenital amaurosis. Last evaluated: 2020-03-16. Review status: no assertion criteria provided. Collection method: clinical testing. Allele origin: germline. Not counted in ClinVar's aggregate classification.

Retina International
No classification provided. Review status: no classification provided. Collection method: not provided. Allele origin: not provided. Not counted in ClinVar's aggregate classification.